The following is an entry in ClinVar:

NM_174936.4(PCSK9):c.942T>C (p.Ala314=)

Gene: PCSK9 (proprotein convertase subtilisin/kexin type 9; plus strand). Cytogenetic location: 1p32.3.
Variant type: single nucleotide variant.
Coding change: c.942T>C on transcript NM_174936.4 (MANE Select); coding-DNA position 942, T replaced by C.
Protein change: p.Ala314=; no amino-acid change (alanine 314 retained).
Molecular consequence: synonymous variant. On other transcripts: non-coding transcript variant (8).
Genome position (GRCh38, 1-based): chr1:55,056,135, T>C. VCF-style: chr1-55056135-T-C. GRCh37 (hg19) VCF-style: chr1-55521808-T-C.
Other names: c.1065T>C, p.Ala355= (NM_001407240.1); c.942T>C, p.Ala314= (NM_001407241.1, NM_001407244.1, NM_001407247.1); c.945T>C, p.Ala315= (NM_001407242.1); c.885T>C, p.Ala295= (NM_001407243.1); c.750T>C, p.Ala250= (NM_001407245.1); c.567T>C, p.Ala189= (NM_001407246.1).
Identifiers: ClinVar variation 627822 (VCV000627822.17), dbSNP rs1026609359, ClinGen allele CA22762767.
Genomic context (GRCh38, chr1:55,056,135, plus strand): 5'-CCGCGTCCTCAACGCCGCCTGCCAGCGCCTGGCGAGGGCTGGGGTCGTGCTGGTCACCGC[T>C]GCCGGCAACTTCCGGGACGATGCCTGCCTCTACTCCCCAGCCTCAGCTCCCGAGGTAGGT-3'
Protein context (NP_777596.2, residues 304-324): LARAGVVLVT[Ala314=]AGNFRDDACL

ClinVar aggregate classification (germline): Likely benign. Review status: criteria provided, multiple submitters, no conflicts (2 of 4 stars). 4 submissions from 4 submitters: Likely benign (4). Last evaluated 2026-02-03.

Conditions:
Cardiovascular phenotype. Identifiers: MedGen CN230736.
Familial hypercholesterolemia. Also called: Familial hypercholesterolemias; Familial hypercholesterolaemia. Identifiers: MedGen C0020445, MONDO:0005439.
Hypercholesterolemia, autosomal dominant, 3 (FHCL3). Also called: Familial Hypercholesterolemia, Autosomal Dominant, 3; PCSK9-Related Familial Hypercholesterolemia, Autosomal Dominant; Familial hypercholesterolemia 3. Identifiers: MedGen C1863551, MONDO:0011369, OMIM 603776.

Allele frequency attached by ClinVar (database versions not stated): gnomAD exomes 0.00003 and 0.00004; TOPMed 0.00004; gnomAD 0.00005 and 0.00006.
gnomAD v4.1: 63 of 1,560,614 alleles (0.004%); highest among the groups gnomAD compares: Non-Finnish European, 0.0054%; no homozygotes.

Submissions (4):

Labcorp Genetics (formerly Invitae), Labcorp
Classification: Likely benign for Hypercholesterolemia, autosomal dominant, 3. Last evaluated: 2026-02-03. Review status: criteria provided, single submitter. Criteria: Invitae Variant Classification Sherloc (09022015). Collection method: clinical testing. Allele origin: germline.

All of Us Research Program, National Institutes of Health
Classification: Likely benign for Hypercholesterolemia, autosomal dominant, 3. Last evaluated: 2023-11-20. Review status: criteria provided, single submitter. Criteria: ACMG Guidelines, 2015. Collection method: clinical testing. Allele origin: germline. Inheritance: Autosomal dominant inheritance. Observed: 11 variant alleles, 11 heterozygotes.
Comment: This study involves interpretation of variants in research participants for the purpose of population health screening. Participant phenotype was not available at the time of variant classification. Additional details can be found in publication PMID: 35346344, PMCID: PMC8962531

Ambry Genetics
Classification: Likely benign for Cardiovascular phenotype. Last evaluated: 2023-02-20. Review status: criteria provided, single submitter. Criteria: Ambry Variant Classification Scheme 2023. Collection method: clinical testing. Allele origin: germline.

Color Diagnostics, LLC DBA Color Health
Classification: Likely benign for Familial hypercholesterolemia. Last evaluated: 2022-01-01. Review status: criteria provided, single submitter. Criteria: ACMG Guidelines, 2015. Collection method: clinical testing. Allele origin: germline.